The following is an entry in ClinVar:

NM_015295.3(SMCHD1):c.311A>G (p.Asn104Ser)

Gene: SMCHD1 (structural maintenance of chromosomes flexible hinge domain containing 1; plus strand). Cytogenetic location: 18p11.32.
Variant type: single nucleotide variant.
Coding change: c.311A>G on transcript NM_015295.3 (MANE Select); coding-DNA position 311, A replaced by G.
Protein change: p.Asn104Ser; replaces asparagine 104 with serine.
Molecular consequence: missense variant.
Genome position (GRCh38, 1-based): chr18:2,666,918, A>G. VCF-style: chr18-2666918-A-G. GRCh37 (hg19) VCF-style: chr18-2666917-A-G.
Other names: short protein forms N104S.
Identifiers: ClinVar variation 948195 (VCV000948195.11), dbSNP rs375795924, ClinGen allele CA8870528.

ClinVar aggregate classification (germline): Conflicting classifications of pathogenicity. Review status: criteria provided, conflicting classifications (1 of 4 stars). 3 submissions from 3 submitters: Uncertain significance (2); Likely benign (1). Last evaluated 2025-01-12.

Conditions:
Facioscapulohumeral muscular dystrophy 2 (FSHD2). Also called: MUSCULAR DYSTROPHY, FACIOSCAPULOHUMERAL, TYPE 1B; FACIOSCAPULOHUMERAL MUSCULAR DYSTROPHY 2, DIGENIC; FSHD2, DIGENIC. Identifiers: Orphanet 269, MedGen C1834671, MONDO:0008031, OMIM 158901.

Allele frequency attached by ClinVar (database versions not stated): gnomAD 0.00006; ESP Exome Variant Server 0.00008; TOPMed 0.00009; ExAC 0.00012; gnomAD exomes 0.00012.
gnomAD v4.1: 137 of 1,613,214 alleles (0.0085%); highest among the groups gnomAD compares: East Asian, 0.049%; no homozygotes.

Submissions (3):

Labcorp Genetics (formerly Invitae), Labcorp
Classification: Uncertain significance for Facioscapulohumeral muscular dystrophy 2. Last evaluated: 2025-01-12. Review status: criteria provided, single submitter. Criteria: Invitae Variant Classification Sherloc (09022015). Collection method: clinical testing. Allele origin: germline.
Comment: This sequence change replaces asparagine, which is neutral and polar, with serine, which is neutral and polar, at codon 104 of the SMCHD1 protein (p.Asn104Ser). This variant is present in population databases (rs375795924, gnomAD 0.1%), and has an allele count higher than expected for a pathogenic variant. This missense change has been observed in individual(s) with facioscapulohumeral muscular dystrophy type 2 (PMID: 29980640). ClinVar contains an entry for this variant (Variation ID: 948195). Invitae Evidence Modeling of protein sequence and biophysical properties (such as structural, functional, and spatial information, amino acid conservation, physicochemical variation, residue mobility, and thermodynamic stability) indicates that this missense variant is not expected to disrupt SMCHD1 protein function with a negative predictive value of 80%. In summary, the available evidence is currently insufficient to determine the role of this variant in disease. Therefore, it has been classified as a Variant of Uncertain Significance.

Blueprint Genetics
Classification: Likely benign. Last evaluated: 2024-07-09. Review status: criteria provided, single submitter. Criteria: ACMG Guidelines, 2015. Collection method: clinical testing. Allele origin: germline.

Revvity Omics, Revvity
Classification: Uncertain significance. Last evaluated: 2023-03-14. Review status: criteria provided, single submitter. Criteria: ACMG Guidelines, 2015. Collection method: clinical testing. Allele origin: germline.

Literature cited by the submitters: PubMed 29980640 (cited by Labcorp Genetics (formerly Invitae), Labcorp).